The following is an entry in ClinVar:

ClinVar aggregate classification (germline): Uncertain significance. Review status: criteria provided, multiple submitters, no conflicts (2 of 4 stars). 2 submissions from 2 submitters: Uncertain significance (2). Last evaluated 2023-03-20.

Conditions:
Inborn genetic diseases. Identifiers: MedGen C0950123, MeSH D030342.
Autosomal recessive limb-girdle muscular dystrophy type 2Q (LGMDR17). Also called: MUSCULAR DYSTROPHY, LIMB-GIRDLE, AUTOSOMAL RECESSIVE 17. Identifiers: Orphanet 254361, MedGen C3150989, MONDO:0013390, OMIM 613723.
Epidermolysis bullosa simplex 5B, with muscular dystrophy (EBS5B). Also called: EPIDERMOLYSIS BULLOSA SIMPLEX AND LIMB-GIRDLE MUSCULAR DYSTROPHY; Epidermolysis bullosa simplex with muscular dystrophy. Identifiers: Orphanet 257, MedGen C2931072, MONDO:0009181, OMIM 226670.
Epidermolysis bullosa simplex, Ogna type (EBS5A). Also called: Pidermolysis bullosa simplex 5A, Ogna type; EPIDERMOLYSIS BULLOSA SIMPLEX 5A, OGNA TYPE. Identifiers: Orphanet 79401, MedGen C0432317, MONDO:0007555, OMIM 131950.
Epidermolysis bullosa simplex with nail dystrophy (EBS5D). Identifiers: MedGen C4225309, MONDO:0014661, OMIM 616487.
Epidermolysis bullosa simplex 5C, with pyloric atresia (EBS5C). Also called: Epidermolysis bullosa simplex with pyloric atresia; PLEC1-Related Epidermolysis Bullosa with Pyloric Atresia; PLEC-Related Epidermolysis Bullosa with Pyloric Atresia. Identifiers: Orphanet 158684, MedGen C2677349, MONDO:0012807, OMIM 612138.

Allele frequency attached by ClinVar (database versions not stated): gnomAD exomes below 0.00001 and 0.00001; ExAC 0.00001; gnomAD 0.00001; TOPMed 0.00002.
gnomAD v4.1: 5 of 1,612,236 alleles (0.00031%); highest among the groups gnomAD compares: Admixed American, 0.0067%; no homozygotes.

Submissions (2):

Ambry Genetics
Classification: Uncertain significance for Inborn genetic diseases. Last evaluated: 2023-03-20. Review status: criteria provided, single submitter. Criteria: Ambry Variant Classification Scheme 2023. Collection method: clinical testing. Allele origin: germline.

Labcorp Genetics (formerly Invitae), Labcorp
Classification: Uncertain significance for Autosomal recessive limb-girdle muscular dystrophy type 2Q; Epidermolysis bullosa simplex, Ogna type; Epidermolysis bullosa simplex with nail dystrophy; Epidermolysis bullosa simplex 5C, with pyloric atresia; Epidermolysis bullosa simplex 5B, with muscular dystrophy. Last evaluated: 2021-05-29. Review status: criteria provided, single submitter. Criteria: Invitae Variant Classification Sherloc (09022015). Collection method: clinical testing. Allele origin: germline.
Comment: In summary, the available evidence is currently insufficient to determine the role of this variant in disease. Therefore, it has been classified as a Variant of Uncertain Significance. Algorithms developed to predict the effect of missense changes on protein structure and function (SIFT, PolyPhen-2, Align-GVGD) all suggest that this variant is likely to be disruptive, but these predictions have not been confirmed by published functional studies and their clinical significance is uncertain. This variant has not been reported in the literature in individuals with PLEC-related conditions. This variant is present in population databases (rs782257743, ExAC 0.009%). This sequence change replaces threonine with serine at codon 3461 of the PLEC protein (p.Thr3461Ser). The threonine residue is highly conserved and there is a small physicochemical difference between threonine and serine.

NM_201384.3(PLEC):c.10300A>T (p.Thr3434Ser)

Gene: PLEC (plectin; minus strand). Cytogenetic location: 8q24.3.
Variant type: single nucleotide variant.
Coding change: c.10300A>T on transcript NM_201384.3 (MANE Select); coding-DNA position 10300, A replaced by T.
Protein change: p.Thr3434Ser; replaces threonine 3434 with serine.
Molecular consequence: missense variant.
Genome position (GRCh38, 1-based): chr8:143,919,521, T>A on the plus strand (A>T on the coding strand, the complement: PLEC is on the minus strand). VCF-style: chr8-143919521-T-A. GRCh37 (hg19) VCF-style: chr8-144993689-T-A.
Other names: c.10381A>T, p.Thr3461Ser (NM_000445.5); c.10258A>T, p.Thr3420Ser (NM_201378.4); c.10234A>T, p.Thr3412Ser (NM_201379.3); c.10711A>T, p.Thr3571Ser (NM_201380.4); c.10204A>T, p.Thr3402Ser (NM_201381.3); c.10300A>T, p.Thr3434Ser (NM_201382.4); c.10312A>T, p.Thr3438Ser (NM_201383.3); c.10381A>T (NM_000445.3); short protein forms T3434S, T3438S, T3420S, T3402S, T3412S, T3461S, T3571S.
Identifiers: ClinVar variation 1483199 (VCV001483199.9), dbSNP rs782257743, ClinGen allele CA4924692.